The following is an entry in ClinVar:

NM_007194.4(CHEK2):c.494del (p.Gly165fs)

Gene: CHEK2 (checkpoint kinase 2; minus strand). Cytogenetic location: 22q12.1.
Variant type: Deletion.
Coding change: c.494del on transcript NM_007194.4 (MANE Select); coding-DNA position 494, one base deleted (G; older notation c.494delG).
Protein change: p.Gly165fs; shifts the reading frame from glycine 165.
Molecular consequence: frameshift variant. On other transcripts: 5 prime UTR variant (2), intron variant (1).
Genome position (GRCh38, 1-based): chr22:28,725,075, C deleted on the plus strand (G on the coding strand, the reverse complement: CHEK2 is on the minus strand); the first of 2 consecutive C bases (chr22:28,725,075-28,725,076); deleting either gives the same sequence. VCF-style (leftmost placement, unchanged base first): chr22-28725074-GC-G. GRCh37 (hg19) VCF-style: chr22-29121062-GC-G.
Other names: c.623del, p.Gly208fs (NM_001005735.3, NM_001438294.1); c.-284del (NM_001257387.3); c.-170del (NM_001437942.1); c.587del, p.Gly196fs (NM_001438293.1, NM_001438295.1); c.494del, p.Gly165fs (NM_145862.3); c.445-152del (NM_001349956.3); short protein forms G165fs, G208fs, G196fs.
Identifiers: ClinVar variation 585214 (VCV000585214.2), dbSNP rs1569157733, ClinGen allele CA891844557.

ClinVar aggregate classification (germline): Pathogenic (1 of 4 stars; one submission).

Conditions:
Familial cancer of breast. Also called: Hereditary breast cancer; hereditary breast carcinoma; BREAST CANCER, FAMILIAL. Identifiers: Orphanet 227535, MedGen C0346153, MONDO:0016419, OMIM 114480. Disease mechanism: loss of function.

Submission:

Human Genome Sequencing Center Clinical Lab, Baylor College of Medicine
Classification: Pathogenic for Familial cancer of breast. Last evaluated: 2017-05-25. Review status: criteria provided, single submitter. Criteria: ACMG Guidelines, 2015. Collection method: clinical testing. Allele origin: germline.
Comment: The c.622del (p.Asp208Ilefs*9) variant in the CHEK2 gene has not been observed in our patient cohort but has been reported in two individuals of East Asian descent from the ExAC database. This one bp deletion in exon 5 results in a frameshift and the creation of a premature stop codon. This variant is thus expected to result in a loss of function of the protein. This variant is thus classified as pathogenic.